The following is an entry in ClinVar:

NM_000051.4(ATM):c.6325T>A (p.Trp2109Arg)

Genes: C11orf65 (chromosome 11 open reading frame 65; minus strand), ATM (ATM serine/threonine kinase; plus strand). Cytogenetic location: 11q22.3.
Variant type: single nucleotide variant.
Coding change: c.6325T>A on transcript NM_000051.4 (MANE Select); coding-DNA position 6325, T replaced by A.
Protein change: p.Trp2109Arg; replaces tryptophan 2109 with arginine.
Molecular consequence: missense variant. On other transcripts: intron variant (2).
Genome position (GRCh38, 1-based): chr11:108,317,499, T>A. VCF-style: chr11-108317499-T-A. GRCh37 (hg19) VCF-style: chr11-108188226-T-A.
Other names: c.6325T>A, p.Trp2109Arg (NM_001351834.2); c.641-8428A>T (NM_001330368.2); c.*39-8428A>T (NM_001351110.2); short protein forms W2109R.
Identifiers: ClinVar variation 3449752 (VCV003449752.1).

ClinVar aggregate classification (germline): Uncertain significance (1 of 4 stars; one submission).

Conditions:
Hereditary cancer-predisposing syndrome. Also called: Tumor predisposition; Hereditary Cancer Syndrome; Neoplastic Syndromes, Hereditary; Hereditary neoplastic syndrome. Identifiers: Orphanet 140162, MedGen C0027672, MeSH D009386, MONDO:0015356.

Submission:

Ambry Genetics
Classification: Uncertain significance for Hereditary cancer-predisposing syndrome. Last evaluated: 2024-06-27. Review status: criteria provided, single submitter. Criteria: Ambry Variant Classification Scheme 2023. Collection method: clinical testing. Allele origin: germline.
Comment: The p.W2109R variant (also known as c.6325T>A), located in coding exon 42 of the ATM gene, results from a T to A substitution at nucleotide position 6325. The tryptophan at codon 2109 is replaced by arginine, an amino acid with dissimilar properties. This amino acid position is highly conserved in available vertebrate species. In addition, this alteration is predicted to be deleterious by in silico analysis. Based on the available evidence, the clinical significance of this variant remains unclear.